The following is an entry in ClinVar:

NM_003640.5(ELP1):c.2920G>A (p.Ala974Thr)

Gene: ELP1 (elongator acetyltransferase complex subunit 1; minus strand). Cytogenetic location: 9q31.3.
Variant type: single nucleotide variant.
Coding change: c.2920G>A on transcript NM_003640.5 (MANE Select); coding-DNA position 2920, G replaced by A.
Protein change: p.Ala974Thr; replaces alanine 974 with threonine.
Molecular consequence: missense variant.
Genome position (GRCh38, 1-based): chr9:108,893,024, C>T on the plus strand (G>A on the coding strand, the complement: ELP1 is on the minus strand). VCF-style: chr9-108893024-C-T. GRCh37 (hg19) VCF-style: chr9-111655304-C-T.
Other names: c.2578G>A, p.Ala860Thr (NM_001318360.2); c.1873G>A, p.Ala625Thr (NM_001330749.2); c.2920G>A (NM_003640.3); short protein forms A625T, A860T, A974T.
Identifiers: ClinVar variation 989525 (VCV000989525.7), dbSNP rs151120244, ClinGen allele CA5174494.

ClinVar aggregate classification (germline): Uncertain significance. Review status: criteria provided, multiple submitters, no conflicts (2 of 4 stars). 4 submissions from 4 submitters: Uncertain significance (3). 1 of the submissions does not count toward it. Last evaluated 2024-03-26.

Conditions:
Familial dysautonomia. Also called: FD; HSAN III. Identifiers: Orphanet 1764, MedGen C0013364, MONDO:0009131, OMIM 223900. Disease mechanism: loss of function.
Medulloblastoma (MDB). Also called: MEDULLOBLASTOMA PREDISPOSITION SYNDROME; Medulloblastoma, somatic. Identifiers: Orphanet 616, MedGen C0025149, MeSH D008527, MONDO:0007959, OMIM 155255, HP:0002885.

Allele frequency attached by ClinVar (database versions not stated): gnomAD exomes 0.00002 and 0.00003; ExAC 0.00003; ESP Exome Variant Server 0.00008; gnomAD 0.00011 and 0.00012; TOPMed 0.00017.
gnomAD v4.1: 40 of 1,613,620 alleles (0.0025%); highest among the groups gnomAD compares: African/African-American, 0.051%; no homozygotes.

Submissions (4):

Fulgent Genetics
Classification: Uncertain significance for Medulloblastoma; Familial dysautonomia. Last evaluated: 2024-03-26. Review status: criteria provided, single submitter. Criteria: ACMG Guidelines, 2015. Collection method: clinical testing. Allele origin: germline.

Ambry Genetics
Classification: Uncertain significance. Last evaluated: 2023-09-06. Review status: criteria provided, single submitter. Criteria: Ambry Variant Classification Scheme 2023. Collection method: clinical testing. Allele origin: germline.
Comment: The p.A974T variant (also known as c.2920G>A), located in coding exon 26 of the IKBKAP gene, results from a G to A substitution at nucleotide position 2920. The alanine at codon 974 is replaced by threonine, an amino acid with similar properties. This amino acid position is highly conserved in available vertebrate species. In addition, the in silico prediction for this alteration is inconclusive. Since supporting evidence is limited at this time, the clinical significance of this alteration remains unclear.

Labcorp Genetics (formerly Invitae), Labcorp
Classification: Uncertain significance. Last evaluated: 2022-08-02. Review status: criteria provided, single submitter. Criteria: Invitae Variant Classification Sherloc (09022015). Collection method: clinical testing. Allele origin: germline.
Comment: This sequence change replaces alanine, which is neutral and non-polar, with threonine, which is neutral and polar, at codon 974 of the ELP1 protein (p.Ala974Thr). This variant is present in population databases (rs151120244, gnomAD 0.04%). This variant has not been reported in the literature in individuals affected with ELP1-related conditions. ClinVar contains an entry for this variant (Variation ID: 989525). Algorithms developed to predict the effect of missense changes on protein structure and function are either unavailable or do not agree on the potential impact of this missense change (SIFT: "Deleterious"; PolyPhen-2: "Possibly Damaging"; Align-GVGD: "Class C0"). In summary, the available evidence is currently insufficient to determine the role of this variant in disease. Therefore, it has been classified as a Variant of Uncertain Significance.

Natera, Inc.
Classification: Uncertain significance for Familial dysautonomia. Last evaluated: 2020-08-06. Review status: no assertion criteria provided. Collection method: clinical testing. Allele origin: germline. Not counted in ClinVar's aggregate classification.